The following is an entry in ClinVar:

ClinVar aggregate classification (germline): Pathogenic/Likely pathogenic. Review status: criteria provided, multiple submitters, no conflicts (2 of 4 stars). 9 submissions from 9 submitters: Pathogenic (4); Likely pathogenic (5). Last evaluated 2026-08-22.

Conditions:
Inborn genetic diseases. Identifiers: MedGen C0950123, MeSH D030342.
Fetal anomalies with a likely genetic cause.
Trichothiodystrophy 2, photosensitive (TTD2). Identifiers: Orphanet 33364, MedGen C4225344, MONDO:0014615, OMIM 616390.
Xeroderma pigmentosum group B. Also called: XP, GROUP B; ERCC3-Related Xeroderma Pigmentosum; XPB/CS; XERODERMA PIGMENTOSUM B/COCKAYNE SYNDROME. Identifiers: MedGen C0268136, MONDO:0012531, OMIM 610651.
Xeroderma pigmentosum (XP). Identifiers: Orphanet 910, MedGen C0043346, MONDO:0019600.

Allele frequency attached by ClinVar (database versions not stated): gnomAD exomes 0.00010 and 0.00017; gnomAD 0.00012 and 0.00013; TOPMed 0.00013; ExAC 0.00017; ESP Exome Variant Server 0.00048.

Submissions (9):

Genetics Laboratory, Great Ormond Street Hospital NHS Foundation Trust, North Thames Genomic Laboratory Hub
Classification: Pathogenic for Fetal anomalies with a likely genetic cause. Last evaluated: 2026-08-22. Review status: criteria provided, single submitter. Criteria: ACGS Best Practice Guidelines for Variant Classification in Rare Disease 2024 v1.2. Collection method: clinical testing. Allele origin: germline. Affected: yes.
Comment: PS4_moderate, PVS1_very-strong

Labcorp Genetics (formerly Invitae), Labcorp
Classification: Pathogenic. Last evaluated: 2026-01-03. Review status: criteria provided, single submitter. Criteria: Invitae Variant Classification Sherloc (09022015). Collection method: clinical testing. Allele origin: germline.
Comment: This sequence change creates a premature translational stop signal (p.Gln586Argfs*25) in the ERCC3 gene. It is expected to result in an absent or disrupted protein product. Loss-of-function variants in ERCC3 are known to be pathogenic (PMID: 16947863). This variant is present in population databases (rs753182861, gnomAD 0.02%). This variant has not been reported in the literature in individuals affected with ERCC3-related conditions. ClinVar contains an entry for this variant (Variation ID: 1070632). For these reasons, this variant has been classified as Pathogenic.

Ambry Genetics
Classification: Pathogenic for Inborn genetic diseases. Last evaluated: 2024-08-28. Review status: criteria provided, single submitter. Criteria: Ambry Variant Classification Scheme 2023. Collection method: clinical testing. Allele origin: germline.
Comment: The c.1757delA (p.Q586Rfs*25) alteration, located in exon 11 (coding exon 11) of the ERCC3 gene, consists of a deletion of one nucleotide at position 1757, causing a translational frameshift with a predicted alternate stop codon after 25 amino acids. This alteration is expected to result in loss of function by premature protein truncation or nonsense-mediated mRNA decay. Based on data from gnomAD, the - allele has an overall frequency of 0.011% (31/282792) total alleles studied. The highest observed frequency was 0.019% (25/129102) of European (non-Finnish) alleles. Based on the available evidence, this alteration is classified as pathogenic.

Fulgent Genetics
Classification: Likely pathogenic for Xeroderma pigmentosum group B; Trichothiodystrophy 2, photosensitive. Last evaluated: 2024-06-11. Review status: criteria provided, single submitter. Criteria: ACMG Guidelines, 2015. Collection method: clinical testing. Allele origin: germline.

Baylor Genetics
Classification: Pathogenic for Trichothiodystrophy 2, photosensitive. Last evaluated: 2022-11-28. Review status: criteria provided, single submitter. Criteria: ACMG Guidelines, 2015. Collection method: clinical testing. Allele origin: unknown.

Women's Health and Genetics/Laboratory Corporation of America, LabCorp
Classification: Likely pathogenic for Xeroderma pigmentosum. Last evaluated: 2022-10-13. Review status: criteria provided, single submitter. Criteria: LabCorp Variant Classification Summary - May 2015. Collection method: clinical testing. Allele origin: germline.
Comment: Variant summary: ERCC3 c.1757delA (p.Gln586ArgfsX25) results in a premature termination codon, predicted to cause a truncation of the encoded protein or absence of the protein due to nonsense mediated decay, which are commonly known mechanisms for disease. A truncations downstream of this position is classified as pathogenic in ClinVar. The variant allele was found at a frequency of 0.0001 in 251388 control chromosomes. This frequency is not significantly higher than expected for a pathogenic variant in ERCC3 causing Xeroderma Pigmentosum (0.0001 vs 0.00011), allowing no conclusion about variant significance. c.1757delA has not been reported in the literature in individuals affected with Xeroderma Pigmentosum, though it appears in patients with lung, breast, colon, kidney, and prostate cancer (Schrader_2016, Dobbins_2016, Qin_2020, Ratanpero_2020, Bonache_2018). To our knowledge, no experimental evidence demonstrating an impact on protein function has been reported. Three clinical diagnostic laboratories have submitted clinical-significance assessments for this variant to ClinVar after 2014 without evidence for independent evaluation. All laboratories classified the variant as pathogenic/likely pathogenic. Based on the evidence outlined above, the variant was classified as likely pathogenic.

Sema4
Classification: Likely pathogenic for Xeroderma pigmentosum. Last evaluated: 2022-03-01. Review status: criteria provided, single submitter. Criteria: Sema4 Curation Guidelines. Collection method: curation. Allele origin: germline.
Comment: The ERCC3 c.1757delA (p.Q586RfsX25) variant has been reported in heterozygosity in individuals with breast, colon, prostate, and unspecified advanced cancers (PMID: 27153395, 28423363, 30306255, 29625052, 27356891, 32183364, 26556299). This variant causes a frameshift at amino acid 586 that results in premature termination 25 amino acids downstream. At this location, this is predicted to cause nonsense-mediated decay and result in an absent protein (loss of function) though this has not been confirmed by functional studies. Loss of function of the ERCC3 gene is an established disease mechanism in xeroderma pigmentosum group B. This variant was observed in 25/129102 chromosomes in the Non-Finnish European population, with no homozygotes, according to the Genome Aggregation Database (PMID: 32461654). The variant has not been reported in ClinVar. Based on the current evidence available, this variant is interpreted as likely pathogenic.

Revvity Omics, Revvity
Classification: Likely pathogenic. Last evaluated: 2022-01-13. Review status: criteria provided, single submitter. Criteria: ACMG Guidelines, 2015. Collection method: clinical testing. Allele origin: germline.

GeneDx
Classification: Likely pathogenic. Last evaluated: 2020-02-06. Review status: criteria provided, single submitter. Criteria: GeneDx Variant Classification Process June 2021. Collection method: clinical testing. Allele origin: germline. Affected: yes.
Comment: Reported in the heterozygous state in individuals with breast, colorectal, and lung cancer (Dobbins et al., 2016; Maxwell et al., 2016; Schrader et al., 2016; Tedaldi et al., 2017; Bonache et al., 2018); Frameshift variant predicted to result in protein truncation or nonsense mediated decay in a gene for which loss-of-function is a known mechanism of disease; This variant is associated with the following publications: (PMID: 29625052, 29641532, 30306255, 27356891, 26556299, 28423363, 27153395)

Literature cited by the submitters: PubMed 16947863 (cited by Labcorp Genetics (formerly Invitae), Labcorp); PubMed 26556299 (cited by Women's Health and Genetics/Laboratory Corporation of America, LabCorp and Sema4); PubMed 27153395 (cited by Women's Health and Genetics/Laboratory Corporation of America, LabCorp and Sema4); PubMed 27356891 (cited by Women's Health and Genetics/Laboratory Corporation of America, LabCorp and Sema4); PubMed 30306255 (cited by Women's Health and Genetics/Laboratory Corporation of America, LabCorp and Sema4); PubMed 32183364 (cited by Women's Health and Genetics/Laboratory Corporation of America, LabCorp and Sema4); PubMed 32496904 (cited by Women's Health and Genetics/Laboratory Corporation of America, LabCorp); PubMed 28423363 (cited by Sema4); PubMed 29625052 (cited by Sema4).

NM_000122.2(ERCC3):c.1757del (p.Gln586fs)

Gene: ERCC3 (ERCC excision repair 3, TFIIH core complex helicase subunit; minus strand). Cytogenetic location: 2q14.3.
Variant type: Deletion.
Coding change: c.1757del on transcript NM_000122.2 (MANE Select); coding-DNA position 1757, one base deleted (A; older notation c.1757delA).
Protein change: p.Gln586fs; shifts the reading frame from glutamine 586.
Molecular consequence: frameshift variant.
Genome position (GRCh38, 1-based): chr2:127,272,935, T deleted on the plus strand (A on the coding strand, the reverse complement: ERCC3 is on the minus strand). VCF-style (leftmost placement, unchanged base first): chr2-127272934-CT-C. GRCh37 (hg19) VCF-style: chr2-128030510-CT-C.
Other names: c.1565del, p.Gln522fs (NM_001303416.2, NM_001303418.2); short protein forms Q522fs, Q586fs.
Identifiers: ClinVar variation 1070632 (VCV001070632.22), dbSNP rs753182861, ClinGen allele CA1858181.